The following is an entry in ClinVar:

NM_005733.3(KIF20A):c.1483C>A (p.Leu495Ile)

Gene: KIF20A (kinesin family member 20A; plus strand). Cytogenetic location: 5q31.2.
Variant type: single nucleotide variant.
Coding change: c.1483C>A on transcript NM_005733.3 (MANE Select); coding-DNA position 1483, C replaced by A.
Protein change: p.Leu495Ile; replaces leucine 495 with isoleucine.
Molecular consequence: missense variant.
Genome position (GRCh38, 1-based): chr5:138,184,369, C>A. VCF-style: chr5-138184369-C-A. GRCh37 (hg19) VCF-style: chr5-137520058-C-A.
Other names: short protein forms L495I.
Identifiers: ClinVar variation 4718750 (VCV004718750.1).

ClinVar aggregate classification (germline): Uncertain significance (1 of 4 stars; one submission).

Submission:

Labcorp Genetics (formerly Invitae), Labcorp
Classification: Uncertain significance. Last evaluated: 2025-05-01. Review status: criteria provided, single submitter. Criteria: Invitae Variant Classification Sherloc (09022015). Collection method: clinical testing. Allele origin: germline.
Comment: This sequence change replaces leucine, which is neutral and non-polar, with isoleucine, which is neutral and non-polar, at codon 495 of the KIF20A protein (p.Leu495Ile). This variant is not present in population databases (gnomAD no frequency). This variant has not been reported in the literature in individuals affected with KIF20A-related conditions. An algorithm developed to predict the effect of missense changes on protein structure and function (PolyPhen-2) suggests that this variant is likely to be disruptive. In summary, the available evidence is currently insufficient to determine the role of this variant in disease. Therefore, it has been classified as a Variant of Uncertain Significance.